The following is an entry in ClinVar:

NM_004656.4(BAP1):c.1474A>T (p.Ser492Cys)

Gene: BAP1 (BRCA1 associated deubiquitinase 1; minus strand). Cytogenetic location: 3p21.1.
Variant type: single nucleotide variant.
Coding change: c.1474A>T on transcript NM_004656.4 (MANE Select); coding-DNA position 1474, A replaced by T.
Protein change: p.Ser492Cys; replaces serine 492 with cysteine.
Molecular consequence: missense variant.
Genome position (GRCh38, 1-based): chr3:52,403,671, T>A on the plus strand (A>T on the coding strand, the complement: BAP1 is on the minus strand). VCF-style: chr3-52403671-T-A. GRCh37 (hg19) VCF-style: chr3-52437687-T-A.
Other names: c.1420A>T, p.Ser474Cys (NM_001410772.1); short protein forms S474C, S492C.
Identifiers: ClinVar variation 1773435 (VCV001773435.2), dbSNP rs1578220748, ClinGen allele CA353101103.
Genomic context (GRCh38, chr3:52,403,671, plus strand): 5'-GGATAGGCGAGCGCAGTGGCGAGTTGAAAGCACTGCCGATCTCAGAGGCCGTGTCTGTAC[T>A]CTCATTGCTGGGGGTGGGTGAGGGCTGCGAGTGTGTGGGCACTGCCACAGCCGGACTCCC-3'
Protein context (NP_004647.1, residues 482-502): SQPSPTPSNE[Ser492Cys]TDTASEIGSA

ClinVar aggregate classification (germline): Uncertain significance (1 of 4 stars; one submission).

Conditions:
Hereditary cancer-predisposing syndrome. Also called: Hereditary Cancer Syndrome; Hereditary neoplastic syndrome; Neoplastic Syndromes, Hereditary; Tumor predisposition. Identifiers: Orphanet 140162, MedGen C0027672, MeSH D009386, MONDO:0015356.

Submission:

Ambry Genetics
Classification: Uncertain significance for Hereditary cancer-predisposing syndrome. Last evaluated: 2022-09-25. Review status: criteria provided, single submitter. Criteria: Ambry Variant Classification Scheme 2023. Collection method: clinical testing. Allele origin: germline.
Comment: The p.S492C variant (also known as c.1474A>T), located in coding exon 13 of the BAP1 gene, results from an A to T substitution at nucleotide position 1474. The serine at codon 492 is replaced by cysteine, an amino acid with dissimilar properties. This amino acid position is conserved. In addition, this alteration is predicted to be deleterious by in silico analysis. Since supporting evidence is limited at this time, the clinical significance of this alteration remains unclear.